The following is an entry in ClinVar:

ClinVar aggregate classification (germline): Uncertain significance (0 of 4 stars; one submission).

Conditions:
PCNT-related disorder. Also called: PCNT-related condition.

gnomAD v4.1: 4 of 1,552,502 alleles (0.00026%); highest among the groups gnomAD compares: Non-Finnish European, 0.00035%; no homozygotes.

Submission:

PreventionGenetics, part of Exact Sciences
Classification: Uncertain significance for PCNT-related condition. Last evaluated: 2024-02-22. Review status: no assertion criteria provided. Collection method: clinical testing. Allele origin: germline.
Comment: The PCNT c.7931A>G variant is predicted to result in the amino acid substitution p.Lys2644Arg. To our knowledge, this variant has not been reported in the literature or in a large population database, indicating this variant is rare. At this time, the clinical significance of this variant is uncertain due to the absence of conclusive functional and genetic evidence.

NM_006031.6(PCNT):c.7931A>G (p.Lys2644Arg)

Gene: PCNT (pericentrin; plus strand). Cytogenetic location: 21q22.3.
Variant type: single nucleotide variant.
Coding change: c.7931A>G on transcript NM_006031.6 (MANE Select); coding-DNA position 7931, A replaced by G.
Protein change: p.Lys2644Arg; replaces lysine 2644 with arginine.
Molecular consequence: missense variant.
Genome position (GRCh38, 1-based): chr21:46,430,524, A>G. VCF-style: chr21-46430524-A-G. GRCh37 (hg19) VCF-style: chr21-47850438-A-G.
Other names: c.7577A>G, p.Lys2526Arg (NM_001315529.2); short protein forms K2526R, K2644R.
Identifiers: ClinVar variation 3349309 (VCV003349309.1).